The following is an entry in ClinVar:

ClinVar aggregate classification (germline): Uncertain significance (1 of 4 stars; one submission).

Conditions:
Spondyloepimetaphyseal dysplasia, PAPSS2 type. Also called: SEMD, PAKISTANI TYPE; BRACHYOLMIA TYPE 4 WITH MILD EPIPHYSEAL AND METAPHYSEAL CHANGES; SPONDYLODYSPLASIA AND PREMATURE PUBARCHE. Identifiers: Orphanet 93282, MedGen C2748516, MONDO:0019666, OMIM 612847.

Allele frequency attached by ClinVar (database versions not stated): gnomAD exomes below 0.00001.

Submission:

Labcorp Genetics (formerly Invitae), Labcorp
Classification: Uncertain significance for Spondyloepimetaphyseal dysplasia, PAPSS2 type. Last evaluated: 2021-01-08. Review status: criteria provided, single submitter. Criteria: Invitae Variant Classification Sherloc (09022015). Collection method: clinical testing. Allele origin: germline.
Comment: This sequence change results in a frameshift in the PAPSS2 gene (p.Asp611Ilefs*30). While this is not anticipated to result in nonsense mediated decay, it is expected to disrupt the last 9 amino acid(s) of the PAPSS2 protein and extend the protein by 20 additional amino acid residues. This variant is not present in population databases (ExAC no frequency). This variant has not been reported in the literature in individuals with PAPSS2-related conditions. Experimental studies and prediction algorithms are not available or were not evaluated, and the functional significance of this variant is currently unknown. In summary, the available evidence is currently insufficient to determine the role of this variant in disease. Therefore, it has been classified as a Variant of Uncertain Significance.

NM_001015880.2(PAPSS2):c.1831_1834del (p.Asp611fs)

Gene: PAPSS2 (3'-phosphoadenosine 5'-phosphosulfate synthase 2; plus strand). Cytogenetic location: 10q23.31.
Variant type: Deletion.
Coding change: c.1831_1834del on transcript NM_001015880.2 (MANE Select); coding-DNA positions 1831 to 1834, 4 bases deleted (GATT; older notation c.1831_1834delGATT).
Protein change: p.Asp611fs; shifts the reading frame from aspartic acid 611.
Molecular consequence: frameshift variant.
Genome position (GRCh38, 1-based): chr10:87,745,941-87,745,944, GATT deleted. VCF-style (leftmost placement, unchanged base first): chr10-87745940-AGATT-A. GRCh37 (hg19) VCF-style: chr10-89505697-AGATT-A.
Other names: c.1816_1819del, p.Asp606fs (NM_004670.4); short protein forms D606fs, D611fs.
Identifiers: ClinVar variation 1402556 (VCV001402556.6), dbSNP rs2131732948, ClinGen allele CA2573145726.
Genomic context (GRCh38, chr10:87,745,940, plus strand): 5'-CCGGGAAGGAGAGAATCCCCCAGATGGCTTCATGGCCCCCAAAGCATGGAAGGTCCTGAC[AGATT>A]ATTACAGGTCCCTGGAGAAGAACTAAGCCTTTGGCTCCAGAGTTTCTTTCTGAAGTGCTC-3'